The following is an entry in ClinVar:

ClinVar aggregate classification (germline): Uncertain significance. Review status: criteria provided, multiple submitters, no conflicts (2 of 4 stars). 3 submissions from 3 submitters: Uncertain significance (3). Last evaluated 2025-06-17.

Conditions:
GRN-related frontotemporal lobar degeneration with Tdp43 inclusions (FTD2). Also called: DEMENTIA, HEREDITARY DYSPHASIC DISINHIBITION; FRONTOTEMPORAL LOBAR DEGENERATION WITH UBIQUITIN-POSITIVE INCLUSIONS; FTLD-TDP, GRN-RELATED; GRN Frontotemporal Dementia; FRONTOTEMPORAL DEMENTIA WITH TDP43 INCLUSIONS, GRN-RELATED. Identifiers: Orphanet 100070, Orphanet 282, MedGen C1843792, MONDO:0011842, OMIM 607485. Disease mechanism: loss of function.
Neuronal ceroid lipofuscinosis 11. Also called: GRN-Related Neuronal Ceroid-Lipofuscinosis. Identifiers: Orphanet 314629, Orphanet 79262, MedGen C3539123, MONDO:0013866, OMIM 614706.

Allele frequency attached by ClinVar (database versions not stated): gnomAD 0.00001; TOPMed 0.00001.
gnomAD v4.1: 64 of 1,613,934 alleles (0.004%); highest among the groups gnomAD compares: Non-Finnish European, 0.0053%; no homozygotes.

Submissions (3):

Athena Diagnostics
Classification: Uncertain significance. Last evaluated: 2025-06-17. Review status: criteria provided, single submitter. Criteria: Athena Diagnostics Criteria. Collection method: clinical testing. Allele origin: unknown.
Comment: Available data are insufficient to determine the clinical significance of the variant at this time. The frequency of this variant in the general population is uninformative in assessment of its pathogenicity. Polyphen and MutationTaster predict this amino acid change may be benign.

Labcorp Genetics (formerly Invitae), Labcorp
Classification: Uncertain significance for Neuronal ceroid lipofuscinosis 11; GRN-related frontotemporal lobar degeneration with Tdp43 inclusions. Last evaluated: 2025-03-19. Review status: criteria provided, single submitter. Criteria: Invitae Variant Classification Sherloc (09022015). Collection method: clinical testing. Allele origin: germline.
Comment: This sequence change replaces methionine, which is neutral and non-polar, with threonine, which is neutral and polar, at codon 207 of the GRN protein (p.Met207Thr). This variant is present in population databases (rs776198499, gnomAD 0.005%). This missense change has been observed in individual(s) with clinical features of GRN-related disease (PMID: 20937952, 22312439). ClinVar contains an entry for this variant (Variation ID: 1476839). Invitae Evidence Modeling of protein sequence and biophysical properties (such as structural, functional, and spatial information, amino acid conservation, physicochemical variation, residue mobility, and thermodynamic stability) indicates that this missense variant is not expected to disrupt GRN protein function with a negative predictive value of 80%. Experimental studies have shown that this missense change does not substantially affect GRN function (PMID: 23759146). In summary, the available evidence is currently insufficient to determine the role of this variant in disease. Therefore, it has been classified as a Variant of Uncertain Significance.

Women's Health and Genetics/Laboratory Corporation of America, LabCorp
Classification: Uncertain significance. Last evaluated: 2023-05-25. Review status: criteria provided, single submitter. Criteria: LabCorp Variant Classification Summary - May 2015. Collection method: clinical testing. Allele origin: germline.
Comment: Variant summary: GRN c.620T>C (p.Met207Thr) results in a non-conservative amino acid change in the encoded protein sequence. Four of five in-silico tools predict a benign effect of the variant on protein function. The variant allele was found at a frequency of 2.4e-05 in 251370 control chromosomes (gnomAD). The available data on variant occurrences in the general population are insufficient to allow any conclusion about variant significance. c.620T>C has been reported in the literature in individuals affected with Schizophrenia (Geser_2010) and Late-onset Alzheimer Disease (Cruchaga_2012). These reports do not provide unequivocal conclusions about association of the variant with Neuronal Ceroid-Lipofuscinosis (Batten Disease). To our knowledge, no experimental evidence demonstrating an impact on protein function has been reported. The following publications have been ascertained in the context of this evaluation (PMID: 22312439, 20937952). One ClinVar submitter has assessed the variant since 2014: the variant was classified as uncertain significance. Based on the evidence outlined above, the variant was classified as uncertain significance.

Literature cited by the submitters: PubMed 20937952 (cited by 3 submitters); PubMed 23759146 (cited by Athena Diagnostics and Labcorp Genetics (formerly Invitae), Labcorp); PubMed 22312439 (cited by 3 submitters).

NM_002087.4(GRN):c.620T>C (p.Met207Thr)

Gene: GRN (granulin precursor; plus strand). Cytogenetic location: 17q21.31.
Variant type: single nucleotide variant.
Coding change: c.620T>C on transcript NM_002087.4 (MANE Select); coding-DNA position 620, T replaced by C.
Protein change: p.Met207Thr; replaces methionine 207 with threonine.
Molecular consequence: missense variant.
Genome position (GRCh38, 1-based): chr17:44,350,712, T>C. VCF-style: chr17-44350712-T-C. GRCh37 (hg19) VCF-style: chr17-42428080-T-C.
Other names: c.620T>C (NM_002087.2, NM_002087.3); short protein forms M207T.
Identifiers: ClinVar variation 1476839 (VCV001476839.8), dbSNP rs776198499, ClinGen allele CA8601955.